The following is an entry in ClinVar:

NM_006648.4(WNK2):c.424G>C (p.Gly142Arg)

Gene: WNK2 (WNK lysine deficient protein kinase 2; plus strand). Cytogenetic location: 9q22.31.
Variant type: single nucleotide variant.
Coding change: c.424G>C on transcript NM_006648.4 (MANE Select); coding-DNA position 424, G replaced by C.
Protein change: p.Gly142Arg; replaces glycine 142 with arginine.
Molecular consequence: missense variant.
Genome position (GRCh38, 1-based): chr9:93,185,353, G>C. VCF-style: chr9-93185353-G-C. GRCh37 (hg19) VCF-style: chr9-95947635-G-C.
Other names: c.424G>C, p.Gly142Arg (NM_001282394.3); short protein forms G142R.
Identifiers: ClinVar variation 3470269 (VCV003470269.1).

ClinVar aggregate classification (germline): Uncertain significance (1 of 4 stars; one submission).

Submission:

Ambry Genetics
Classification: Uncertain significance. Last evaluated: 2024-11-21. Review status: criteria provided, single submitter. Criteria: Ambry Variant Classification Scheme 2023. Collection method: clinical testing. Allele origin: germline.
Comment: The p.G142R variant (also known as c.424G>C), located in coding exon 1 of the WNK2 gene, results from a G to C substitution at nucleotide position 424. The glycine at codon 142 is replaced by arginine, an amino acid with dissimilar properties. This amino acid position is conserved. In addition, this alteration is predicted to be tolerated by in silico analysis. Based on the available evidence, the clinical significance of this variant remains unclear.